The following is an entry in ClinVar:

NM_015100.4(POGZ):c.-6A>G

Gene: POGZ (pogo transposable element derived with ZNF domain; minus strand). Cytogenetic location: 1q21.3.
Variant type: single nucleotide variant.
Coding change: c.-6A>G on transcript NM_015100.4 (MANE Select); 6 bases upstream of the start codon, A replaced by G.
Molecular consequence: 5 prime UTR variant.
Genome position (GRCh38, 1-based): chr1:151,459,156, T>C on the plus strand (A>G on the coding strand, the complement: POGZ is on the minus strand). VCF-style: chr1-151459156-T-C. GRCh37 (hg19) VCF-style: chr1-151431632-T-C.
Other names: c.-6A>G (NM_001194937.2, NM_001194938.2, NM_145796.4).
Identifiers: ClinVar variation 1301717 (VCV001301717.3), dbSNP rs12125310, ClinGen allele CA29575292.

ClinVar aggregate classification (germline): Benign. Review status: criteria provided, multiple submitters, no conflicts (2 of 4 stars). 2 submissions from 2 submitters: Benign (2). Last evaluated 2020-01-06.

Conditions:
Intellectual disability-microcephaly-strabismus-behavioral abnormalities syndrome. Also called: White-Sutton Syndrome. Identifiers: Orphanet 468678, MedGen C4225351, MONDO:0014606, OMIM 616364.

Allele frequency attached by ClinVar (database versions not stated): 1000 Genomes Project 0.78255; 1000 Genomes Project 30x 0.78404; TOPMed 0.81084; gnomAD 0.81898 and 0.82249; gnomAD exomes 0.82500.
gnomAD v4.1: 123,553 of 150,722 alleles (82%); highest among the groups gnomAD compares: Non-Finnish European, 83%; 50,836 homozygotes.

Submissions (2):

Dubai Health Genomic Medicine Center, Dubai Health
Classification: Benign for Intellectual disability-microcephaly-strabismus-behavioral abnormalities syndrome. Last evaluated: 2020-01-06. Review status: criteria provided, single submitter. Criteria: ACMG Guidelines, 2015. Collection method: clinical testing. Allele origin: germline. Affected: yes.
Comment: common noncoding variant

Breakthrough Genomics
Classification: Benign. Review status: criteria provided, single submitter. Criteria: ACMG Guidelines, 2015. Collection method: not provided. Allele origin: germline. Inheritance: Autosomal dominant inheritance. Affected: yes.